The following is an entry in ClinVar:

ClinVar aggregate classification (germline): Uncertain significance. Review status: criteria provided, multiple submitters, no conflicts (2 of 4 stars). 4 submissions from 4 submitters: Uncertain significance (4). Last evaluated 2026-06-24.

Conditions:
Obesity due to leptin receptor gene deficiency. Identifiers: Orphanet 179494, MedGen C3554225, MONDO:0013992, OMIM 614963.
LEPR-related disorder. Also called: LEPR-related condition; LEPR-related disorders.

Allele frequency attached by ClinVar (database versions not stated): ExAC 0.00016; gnomAD exomes 0.00018 and 0.00025; gnomAD 0.00023; TOPMed 0.00028; ESP Exome Variant Server 0.00031.
gnomAD v4.1: 390 of 1,613,276 alleles (0.024%); highest among the groups gnomAD compares: Non-Finnish European, 0.03%; no homozygotes.

Submissions (4):

PreventionGenetics, part of Exact Sciences
Classification: Uncertain significance for LEPR-related condition. Last evaluated: 2026-06-24. Review status: criteria provided, single submitter. Criteria: ACMG Guidelines, 2015. Collection method: clinical testing. Allele origin: germline.
Comment: The LEPR c.611A>G variant is predicted to result in the amino acid substitution p.Lys204Arg. This variant has been reported in individuals with obesity, and in vitro functional studies showed inconclusive evidence of loss of function (Echwald et al. 1997. PubMed ID: 9144432; Philippe et al. 2015. PubMed ID: 24890885; Supplemental Data Set, Shah et al. 2023. PubMed ID: 36864747). This variant is reported in 0.034% of alleles in individuals of European (non-Finnish) descent in gnomAD. At this time, the clinical significance of this variant is uncertain.

Labcorp Genetics (formerly Invitae), Labcorp
Classification: Uncertain significance. Last evaluated: 2026-01-19. Review status: criteria provided, single submitter. Criteria: Invitae Variant Classification Sherloc (09022015). Collection method: clinical testing. Allele origin: germline.
Comment: This sequence change replaces lysine, which is basic and polar, with arginine, which is basic and polar, at codon 204 of the LEPR protein (p.Lys204Arg). This variant is present in population databases (rs146442768, gnomAD 0.03%). This missense change has been observed in individual(s) with obesity (PMID: 9144432, 34097736). ClinVar contains an entry for this variant (Variation ID: 876823). An algorithm developed to predict the effect of missense changes on protein structure and function outputs the following: PolyPhen-2: "Benign". The arginine amino acid residue is found in multiple mammalian species, which suggests that this missense change does not adversely affect protein function. Experimental studies have shown that this missense change does not substantially affect LEPR function (PMID: 39561769). In summary, the available evidence is currently insufficient to determine the role of this variant in disease. Therefore, it has been classified as a Variant of Uncertain Significance.

GeneDx
Classification: Uncertain significance. Last evaluated: 2024-12-27. Review status: criteria provided, single submitter. Criteria: GeneDx Variant Classification Process June 2021. Collection method: clinical testing. Allele origin: germline. Affected: yes.
Comment: In silico analysis indicates that this missense variant does not alter protein structure/function; This variant is associated with the following publications: (PMID: 9144432, 22810975, 9537324, 34097736)

Illumina Laboratory Services, Illumina
Classification: Uncertain significance for Obesity due to leptin receptor gene deficiency. Last evaluated: 2017-04-27. Review status: criteria provided, single submitter. Criteria: ICSL Variant Classification Criteria 13 December 2019. Collection method: clinical testing. Allele origin: germline.
Comment: This variant was observed as part of a predisposition screen in an ostensibly healthy population. A literature search was performed for the gene, cDNA change, and amino acid change (where applicable). Publications were found based on this search. However, the evidence from the literature, in combination with allele frequency data from public databases where available, was not sufficient to rule this variant in or out of causing disease. Therefore, this variant is classified as a variant of unknown significance.

Literature cited by the submitters: PubMed 9144432 (cited by Labcorp Genetics (formerly Invitae), Labcorp and Illumina Laboratory Services, Illumina); PubMed 34097736 (cited by Labcorp Genetics (formerly Invitae), Labcorp); PubMed 39561769 (cited by Labcorp Genetics (formerly Invitae), Labcorp); PubMed 22810975 (cited by Illumina Laboratory Services, Illumina); PubMed 9860295 (cited by Illumina Laboratory Services, Illumina).

NM_002303.6(LEPR):c.611A>G (p.Lys204Arg)

Gene: LEPR (leptin receptor; plus strand). Cytogenetic location: 1p31.3.
Variant type: single nucleotide variant.
Coding change: c.611A>G on transcript NM_002303.6 (MANE Select); coding-DNA position 611, A replaced by G.
Protein change: p.Lys204Arg; replaces lysine 204 with arginine.
Molecular consequence: missense variant.
Genome position (GRCh38, 1-based): chr1:65,592,773, A>G. VCF-style: chr1-65592773-A-G. GRCh37 (hg19) VCF-style: chr1-66058456-A-G.
Other names: c.611A>G, p.Lys204Arg (NM_001003679.3, NM_001003680.3, NM_001198687.2 and 2 more transcripts); short protein forms K204R.
Identifiers: ClinVar variation 876823 (VCV000876823.13), dbSNP rs146442768, ClinGen allele CA894594.